The following is an entry in ClinVar:

NM_015896.4(ZMYND10):c.967C>T (p.Gln323Ter)

Gene: ZMYND10 (zinc finger MYND-type containing 10; minus strand). Cytogenetic location: 3p21.31.
Variant type: single nucleotide variant.
Coding change: c.967C>T on transcript NM_015896.4 (MANE Select); coding-DNA position 967, C replaced by T.
Protein change: p.Gln323Ter; replaces glutamine 323 with a stop codon.
Molecular consequence: nonsense.
Genome position (GRCh38, 1-based): chr3:50,342,047, G>A on the plus strand (C>T on the coding strand, the complement: ZMYND10 is on the minus strand). VCF-style: chr3-50342047-G-A. GRCh37 (hg19) VCF-style: chr3-50379478-G-A.
Other names: c.952C>T, p.Gln318Ter (NM_001308379.2); short protein forms Q323*, Q318*.
Identifiers: ClinVar variation 66024 (VCV000066024.3), dbSNP rs397515460, ClinGen allele CA214442.
Genomic context (GRCh38, chr3:50,342,047, plus strand): 5'-CCTGAGCAGCTAACTTTCCAGTGCCTACCTGTTCCAACACCAGGTCCTTCTTAGGAGGCT[G>A]GGTTTCAGTTAGGGTCAGATGGGCCAGGAAACTCTGCAAGTGGGCCAGGTTGGGCAGCTG-3'

ClinVar aggregate classification (germline): Pathogenic. Review status: criteria provided, single submitter (1 of 4 stars). 2 submissions from 2 submitters: Pathogenic (1). 1 of the submissions does not count toward it. Last evaluated 2024-05-29.

Conditions:
Primary ciliary dyskinesia 22. Also called: CILIARY DYSKINESIA, PRIMARY, 22, WITH OR WITHOUT SITUS INVERSUS. Identifiers: Orphanet 244, MedGen C3809543, MONDO:0014192, OMIM 615444.
Primary ciliary dyskinesia. Also called: Ciliary dyskinesia. Identifiers: Orphanet 244, MedGen C0008780, MONDO:0016575, HP:0012265.

Allele frequency attached by ClinVar (database versions not stated): gnomAD exomes 0.00001; gnomAD 0.00001; ExAC 0.00001; TOPMed 0.00002.
gnomAD v4.1: 6 of 1,614,106 alleles (0.00037%); highest among the groups gnomAD compares: Admixed American, 0.0083%; no homozygotes.

Submissions (2):

Labcorp Genetics (formerly Invitae), Labcorp
Classification: Pathogenic for Primary ciliary dyskinesia. Last evaluated: 2024-05-29. Review status: criteria provided, single submitter. Criteria: Invitae Variant Classification Sherloc (09022015). Collection method: clinical testing. Allele origin: germline.
Comment: This sequence change creates a premature translational stop signal (p.Gln323*) in the ZMYND10 gene. It is expected to result in an absent or disrupted protein product. Loss-of-function variants in ZMYND10 are known to be pathogenic (PMID: 23891469, 23891471). This variant is present in population databases (rs397515460, gnomAD 0.006%). This premature translational stop signal has been observed in individual(s) with ZMYND10-related conditions (PMID: 23891469). ClinVar contains an entry for this variant (Variation ID: 66024). Algorithms developed to predict the effect of sequence changes on RNA splicing suggest that this variant may disrupt the consensus splice site. For these reasons, this variant has been classified as Pathogenic.

OMIM
Classification: Pathogenic for CILIARY DYSKINESIA, PRIMARY, 22. Last evaluated: 2013-08-08. Review status: no assertion criteria provided. Collection method: literature only. Allele origin: germline. Not counted in ClinVar's aggregate classification.

Literature cited by the submitters: PubMed 23891469 (cited by Labcorp Genetics (formerly Invitae), Labcorp and OMIM); PubMed 23891471 (cited by Labcorp Genetics (formerly Invitae), Labcorp).